The following is an entry in ClinVar:

NM_000540.3(RYR1):c.11269A>G (p.Met3757Val)

Gene: RYR1 (ryanodine receptor 1; plus strand). Cytogenetic location: 19q13.2.
Variant type: single nucleotide variant.
Coding change: c.11269A>G on transcript NM_000540.3 (MANE Select); coding-DNA position 11269, A replaced by G.
Protein change: p.Met3757Val; replaces methionine 3757 with valine.
Molecular consequence: missense variant.
Genome position (GRCh38, 1-based): chr19:38,534,729, A>G. VCF-style: chr19-38534729-A-G. GRCh37 (hg19) VCF-style: chr19-39025369-A-G.
Other names: c.11254A>G, p.Met3752Val (NM_001042723.2); short protein forms M3757V, M3752V.
Identifiers: ClinVar variation 972231 (VCV000972231.16), dbSNP rs189249768, ClinGen allele CA056645.

ClinVar aggregate classification (germline): Uncertain significance. Review status: criteria provided, multiple submitters, no conflicts (2 of 4 stars). 7 submissions from 7 submitters: Uncertain significance (7). Last evaluated 2026-04-21.

Conditions:
Malignant hyperthermia, susceptibility to, 1 (MHS1). Also called: Anesthesia related hyperthermia; Malignant hyperpyrexia; Fulminating hyperpyrexia; Pharmacogenic myopathy; Malignant hyperthermia suceptibility 1; RYR1-Related Malignant Hyperthermia Susceptibility. Identifiers: Orphanet 423, MedGen C2930980, MONDO:0007783, OMIM 145600.
King Denborough syndrome (KDS). Identifiers: MedGen C1840365, MONDO:0020485, OMIM 619542.
Congenital myopathy with fiber type disproportion. Also called: Congenital fiber-type disproportion myopathy; Congenital fiber-type disproportion. Identifiers: Orphanet 2020, MedGen C0546264, MONDO:0009711. Inheritance: all.
Congenital multicore myopathy with external ophthalmoplegia (CMYO1B). Also called: Minicore myopathy with external ophthalmoplegia; Congenital myopathy 1B, autosomal recessive; Minicore myopathy; MULTIMINICORE DISEASE WITH EXTERNAL OPHTHALMOPLEGIA; MULTICORE MYOPATHY. Identifiers: Orphanet 598, Orphanet 98905, MedGen C1850674, MONDO:0009712, OMIM 255320, HP:0003789.
Central core myopathy (CMYO1A). Also called: CONGENITAL MYOPATHY 1A, AUTOSOMAL DOMINANT, WITH SUSCEPTIBILITY TO MALIGNANT HYPERTHERMIA; Central core disease; Myopathy, central fibrillar. Identifiers: Orphanet 597, MedGen C5830701, MONDO:0007294, OMIM 117000.
RYR1-related disorder. Also called: RYR1-related condition; RYR1-related disorders. Identifiers: MedGen CN239331.

Allele frequency attached by ClinVar (database versions not stated): TOPMed 0.00004; ExAC 0.00006; gnomAD exomes 0.00005; 1000 Genomes Project 0.00020; 1000 Genomes Project 30x 0.00016.
gnomAD v4.1: 32 of 1,613,946 alleles (0.002%); highest among the groups gnomAD compares: Admixed American, 0.03%; no homozygotes.

Submissions (7):

GeneDx
Classification: Uncertain significance. Last evaluated: 2026-04-21. Review status: criteria provided, single submitter. Criteria: GeneDx Variant Classification Process June 2021. Collection method: clinical testing. Allele origin: germline.
Comment: In silico analysis supports that this missense variant has a deleterious effect on protein structure/function; Has not been previously published as pathogenic or benign to our knowledge

Revvity Omics, Revvity
Classification: Uncertain significance. Last evaluated: 2025-08-04. Review status: criteria provided, single submitter. Criteria: ACMG Guidelines, 2015. Collection method: clinical testing. Allele origin: germline.

Labcorp Genetics (formerly Invitae), Labcorp
Classification: Uncertain significance for RYR1-related disorder. Last evaluated: 2024-10-29. Review status: criteria provided, single submitter. Criteria: Invitae Variant Classification Sherloc (09022015). Collection method: clinical testing. Allele origin: germline.
Comment: This sequence change replaces methionine, which is neutral and non-polar, with valine, which is neutral and non-polar, at codon 3757 of the RYR1 protein (p.Met3757Val). This variant is present in population databases (rs189249768, gnomAD 0.02%). This variant has not been reported in the literature in individuals affected with RYR1-related conditions. ClinVar contains an entry for this variant (Variation ID: 972231). Invitae Evidence Modeling of protein sequence and biophysical properties (such as structural, functional, and spatial information, amino acid conservation, physicochemical variation, residue mobility, and thermodynamic stability) indicates that this missense variant is expected to disrupt RYR1 protein function with a positive predictive value of 80%. In summary, the available evidence is currently insufficient to determine the role of this variant in disease. Therefore, it has been classified as a Variant of Uncertain Significance.

Color Diagnostics, LLC DBA Color Health
Classification: Uncertain significance for Malignant hyperthermia, susceptibility to, 1. Last evaluated: 2024-03-28. Review status: criteria provided, single submitter. Criteria: ACMG Guidelines, 2015. Collection method: clinical testing. Allele origin: germline.
Comment: This missense variant replaces methionine with valine at codon 3757 of the RYR1 protein. Computational prediction is inconclusive regarding the impact of this variant on protein structure and function. To our knowledge, functional studies have not been reported for this variant. This variant has not been reported in individuals affected with autosomal dominant malignant hyperthermia in the literature, although it is associated with other phenotypes (ClinVar Variation ID: 972231). This variant has been identified in 12/250684 chromosomes in the general population by the Genome Aggregation Database (gnomAD). The available evidence is insufficient to determine the role of this variant in disease conclusively. Therefore, this variant is classified as a Variant of Uncertain Significance.

Women's Health and Genetics/Laboratory Corporation of America, LabCorp
Classification: Uncertain significance. Last evaluated: 2023-07-21. Review status: criteria provided, single submitter. Criteria: LabCorp Variant Classification Summary - May 2015. Collection method: clinical testing. Allele origin: germline.
Comment: Variant summary: RYR1 c.11269A>G (p.Met3757Val) results in a conservative amino acid change in the encoded protein sequence. Three of five in-silico tools predict a damaging effect of the variant on protein function. The variant allele was found at a frequency of 4.8e-05 in 250684 control chromosomes (gnomAD). This frequency is not significantly higher than estimated for a pathogenic variant in RYR1 causing Malignant Hyperthermia Susceptibility (4.8e-05 vs 8.8e-05), allowing no conclusion about variant significance. To our knowledge, no occurrence of c.11269A>G in individuals affected with Malignant Hyperthermia Susceptibility and no experimental evidence demonstrating its impact on protein function have been reported. Four submitters have cited clinical-significance assessments for this variant to ClinVar after 2014 and all classified the variant as uncertain significance. Based on the evidence outlined above, the variant was classified as uncertain significance.

Fulgent Genetics
Classification: Uncertain significance for Central core myopathy; Malignant hyperthermia, susceptibility to, 1; Congenital myopathy 4A, autosomal dominant; Congenital multicore myopathy with external ophthalmoplegia; King Denborough syndrome. Last evaluated: 2021-09-14. Review status: criteria provided, single submitter. Criteria: ACMG Guidelines, 2015. Collection method: clinical testing. Allele origin: unknown.

Laboratorio de Genetica e Diagnostico Molecular, Hospital Israelita Albert Einstein
Classification: Uncertain significance. Last evaluated: 2020-01-03. Review status: criteria provided, single submitter. Criteria: ACMG Guidelines, 2015. Collection method: clinical testing. Allele origin: germline. Affected: yes.
Comment: ACMG classification criteria: PM2